The following is an entry in ClinVar:

ClinVar aggregate classification (germline): Uncertain significance (1 of 4 stars; one submission).

Submission:

Ambry Genetics
Classification: Uncertain significance. Last evaluated: 2026-08-31. Review status: criteria provided, single submitter. Criteria: Ambry Variant Classification Scheme 2023. Collection method: clinical testing. Allele origin: germline.
Comment: The p.E150D variant (also known as c.450G>C), located in coding exon 5 of the ILK gene, results from a G to C substitution at nucleotide position 450. The glutamic acid at codon 150 is replaced by aspartic acid, an amino acid with highly similar properties. This amino acid position is conserved. In addition, this alteration is predicted to be tolerated by in silico analysis. Based on the available evidence, the clinical significance of this variant remains unclear.

NM_004517.4(ILK):c.450G>C (p.Glu150Asp)

Genes: ILK (integrin linked kinase; plus strand), TAF10 (TATA-box binding protein associated factor 10; minus strand). Cytogenetic location: 11p15.4.
Variant type: single nucleotide variant.
Coding change: c.450G>C on transcript NM_004517.4 (MANE Select); coding-DNA position 450, G replaced by C.
Protein change: p.Glu150Asp; replaces glutamic acid 150 with aspartic acid.
Molecular consequence: missense variant. On other transcripts: 3 prime UTR variant (1).
Genome position (GRCh38, 1-based): chr11:6,608,885, G>C. VCF-style: chr11-6608885-G-C. GRCh37 (hg19) VCF-style: chr11-6630116-G-C.
Other names: c.450G>C, p.Glu150Asp (NM_001014794.3, NM_001014795.3); c.353G>C, p.Ser118Thr (NM_001278441.2); c.48G>C, p.Glu16Asp (NM_001278442.2); c.*2037C>G (NM_006284.4); short protein forms E150D, E16D, S118T.
Identifiers: ClinVar variation 5022797 (VCV005022797.1).
Genomic context (GRCh38, chr11:6,608,885, plus strand): 5'-GTCCCTTCCCACCTGTCTTCTCCCTCTGTACCACAGCTTAGGTTGTTTTTCTTCCCTAGA[G>C]CGGGCAGAGAAGATGGGCCAGAATCTCAACCGTATTCCATACAAGGACACATTCTGGAAG-3'
Protein context (NP_004508.1, residues 140-160): AKAPLRELLR[Glu150Asp]RAEKMGQNLN